The following is an entry in ClinVar:

NM_001199397.3(NEK1):c.1318C>T (p.Arg440Ter)

Gene: NEK1 (NIMA related kinase 1; minus strand). Cytogenetic location: 4q33.
Variant type: single nucleotide variant.
Coding change: c.1318C>T on transcript NM_001199397.3 (MANE Select); coding-DNA position 1318, C replaced by T.
Protein change: p.Arg440Ter; replaces arginine 440 with a stop codon.
Molecular consequence: nonsense. On other transcripts: non-coding transcript variant (1).
Genome position (GRCh38, 1-based): chr4:169,556,044, G>A on the plus strand (C>T on the coding strand, the complement: NEK1 is on the minus strand). VCF-style: chr4-169556044-G-A. GRCh37 (hg19) VCF-style: chr4-170477195-G-A.
Other names: c.1318C>T, p.Arg440Ter (NM_001199398.3, NM_001199400.3, NM_001374418.1 and 2 more transcripts); c.1243C>T, p.Arg415Ter (NM_001199399.3); c.1267C>T, p.Arg423Ter (NM_001374420.1); c.1192C>T, p.Arg398Ter (NM_001374421.1); short protein forms R398*, R440*, R423*, R415*.
Identifiers: ClinVar variation 3713675 (VCV003713675.2).

ClinVar aggregate classification (germline): Pathogenic (1 of 4 stars; one submission).

Conditions:
Short-rib thoracic dysplasia 6 with or without polydactyly (SRTD6). Also called: SHORT RIB-POLYDACTYLY SYNDROME, TYPE IIA; Majewski Syndrome; POLYDACTYLY WITH NEONATAL CHONDRODYSTROPHY, TYPE II; SHORT-RIB THORACIC DYSPLASIA 6 WITH POLYDACTYLY; SHORT-RIB THORACIC DYSPLASIA 6 WITHOUT POLYDACTYLY. Identifiers: MedGen C0024507, MONDO:0009894, OMIM 263520.

Submission:

Labcorp Genetics (formerly Invitae), Labcorp
Classification: Pathogenic for Short-rib thoracic dysplasia 6 with or without polydactyly. Last evaluated: 2024-08-29. Review status: criteria provided, single submitter. Criteria: Invitae Variant Classification Sherloc (09022015). Collection method: clinical testing. Allele origin: germline.
Comment: This sequence change creates a premature translational stop signal (p.Arg440*) in the NEK1 gene. It is expected to result in an absent or disrupted protein product. Loss-of-function variants in NEK1 are known to be pathogenic (PMID: 22499340, 29068549). This variant is not present in population databases (gnomAD no frequency). This premature translational stop signal has been observed in individual(s) with amyotrophic lateral sclerosis (PMID: 29149916, 34275688). This variant is also known as c.C1243T, p.R415X. For these reasons, this variant has been classified as Pathogenic.

Literature cited by the submitters: PubMed 22499340; PubMed 29068549; PubMed 29149916; PubMed 34275688.